The following is an entry in ClinVar:

NM_000238.4(KCNH2):c.56T>G (p.Ile19Ser)

Gene: KCNH2 (potassium voltage-gated channel subfamily H member 2; minus strand). Cytogenetic location: 7q36.1.
Variant type: single nucleotide variant.
Coding change: c.56T>G on transcript NM_000238.4 (MANE Select); coding-DNA position 56, T replaced by G.
Protein change: p.Ile19Ser; replaces isoleucine 19 with serine.
Molecular consequence: missense variant.
Genome position (GRCh38, 1-based): chr7:150,977,858, A>C on the plus strand (T>G on the coding strand, the complement: KCNH2 is on the minus strand). VCF-style: chr7-150977858-A-C. GRCh37 (hg19) VCF-style: chr7-150674946-A-C.
Other names: c.56T>G, p.Ile19Ser (NM_172056.3); short protein forms I19S.
Identifiers: ClinVar variation 949641 (VCV000949641.12), dbSNP rs1802016246, ClinGen allele CA369866664.

ClinVar aggregate classification (germline): Conflicting classifications of pathogenicity. Review status: criteria provided, conflicting classifications (1 of 4 stars). 3 submissions from 3 submitters: Likely pathogenic (1); Uncertain significance (2). Last evaluated 2025-12-24.

Conditions:
Cardiovascular phenotype. Identifiers: MedGen CN230736.
Long QT syndrome (LQTS). Identifiers: MedGen C0023976, MeSH D008133, MONDO:0002442. Disease mechanism: loss of function. Inheritance: Various modes of inheritance.

Submissions (3):

Molecular Diagnostic Laboratory for Inherited Cardiovascular Disease, Montreal Heart Institute
Classification: Likely pathogenic for Cardiovascular phenotype. Last evaluated: 2025-12-24. Review status: criteria provided, single submitter. Criteria: ACMG Guidelines, 2015. Collection method: clinical testing. Allele origin: germline. Affected: yes.
Comment: PM1_strong, PM2, PP1, PP2, PP3

Blueprint Genetics
Classification: Uncertain significance. Last evaluated: 2024-02-15. Review status: criteria provided, single submitter. Criteria: ACMG Guidelines, 2015. Collection method: clinical testing. Allele origin: germline.

Labcorp Genetics (formerly Invitae), Labcorp
Classification: Uncertain significance for Long QT syndrome. Last evaluated: 2022-02-03. Review status: criteria provided, single submitter. Criteria: Invitae Variant Classification Sherloc (09022015). Collection method: clinical testing. Allele origin: germline.
Comment: In summary, the available evidence is currently insufficient to determine the role of this variant in disease. Therefore, it has been classified as a Variant of Uncertain Significance. Algorithms developed to predict the effect of sequence changes on RNA splicing suggest that this variant may create or strengthen a splice site. Algorithms developed to predict the effect of missense changes on protein structure and function are either unavailable or do not agree on the potential impact of this missense change (SIFT: "Deleterious"; PolyPhen-2: "Possibly Damaging"; Align-GVGD: "Class C0"). ClinVar contains an entry for this variant (Variation ID: 949641). This variant has not been reported in the literature in individuals affected with KCNH2-related conditions. This variant is not present in population databases (gnomAD no frequency). This sequence change replaces isoleucine, which is neutral and non-polar, with serine, which is neutral and polar, at codon 19 of the KCNH2 protein (p.Ile19Ser).